The following is an entry in ClinVar:

NM_001232.4(CASQ2):c.606G>A (p.Gly202=)

Gene: CASQ2 (calsequestrin 2; minus strand). Cytogenetic location: 1p13.1.
Variant type: single nucleotide variant.
Coding change: c.606G>A on transcript NM_001232.4 (MANE Select); coding-DNA position 606, G replaced by A.
Protein change: p.Gly202=; no amino-acid change (glycine 202 retained).
Molecular consequence: synonymous variant.
Genome position (GRCh38, 1-based): chr1:115,732,901, C>T on the plus strand (G>A on the coding strand, the complement: CASQ2 is on the minus strand). VCF-style: chr1-115732901-C-T. GRCh37 (hg19) VCF-style: chr1-116275522-C-T.
Identifiers: ClinVar variation 1001154 (VCV001001154.46), dbSNP rs1647836874, ClinGen allele CA419896032.

ClinVar aggregate classification (germline): Uncertain significance (1 of 4 stars; one submission).

Conditions:
Catecholaminergic polymorphic ventricular tachycardia 1. Also called: RYR2-Related Catecholaminergic Polymorphic Ventricular Tachycardia; VENTRICULAR TACHYCARDIA, CATECHOLAMINERGIC POLYMORPHIC, 1, WITH OR WITHOUT ATRIAL DYSFUNCTION AND/OR DILATED CARDIOMYOPATHY; VENTRICULAR TACHYCARDIA, STRESS-INDUCED POLYMORPHIC 1. Identifiers: Orphanet 3286, MedGen C1631597, MONDO:0011484, OMIM 604772.

Submission:

Labcorp Genetics (formerly Invitae), Labcorp
Classification: Uncertain significance for Catecholaminergic polymorphic ventricular tachycardia 1. Last evaluated: 2020-02-21. Review status: criteria provided, single submitter. Criteria: Invitae Variant Classification Sherloc (09022015). Collection method: clinical testing. Allele origin: germline.
Comment: This variant has not been reported in the literature in individuals with CASQ2-related conditions. This sequence change affects codon 202 of the CASQ2 mRNA. It is a 'silent' change, meaning that it does not change the encoded amino acid sequence of the CASQ2 protein. This variant also falls at the last nucleotide of exon 5 of the CASQ2 coding sequence, which is part of the consensus splice site for this exon. This variant is not present in population databases (ExAC no frequency). Nucleotide substitutions within the consensus splice site are a relatively common cause of aberrant splicing (PMID: 17576681, 9536098). Algorithms developed to predict the effect of sequence changes on RNA splicing suggest that this variant is not likely to affect RNA splicing, but this prediction has not been confirmed by published transcriptional studies. In summary, the available evidence is currently insufficient to determine the role of this variant in disease. Therefore, it has been classified as a Variant of Uncertain Significance.

Literature cited by the submitters: PubMed 17576681; PubMed 9536098.